The following is an entry in ClinVar:

NM_001130438.3(SPTAN1):c.4848C>A (p.Asp1616Glu)

Gene: SPTAN1 (spectrin alpha, non-erythrocytic 1; plus strand). Cytogenetic location: 9q34.11.
Variant type: single nucleotide variant.
Coding change: c.4848C>A on transcript NM_001130438.3 (MANE Select); coding-DNA position 4848, C replaced by A.
Protein change: p.Asp1616Glu; replaces aspartic acid 1616 with glutamic acid.
Molecular consequence: missense variant.
Genome position (GRCh38, 1-based): chr9:128,611,788, C>A. VCF-style: chr9-128611788-C-A. GRCh37 (hg19) VCF-style: chr9-131374067-C-A.
Other names: c.4884C>A, p.Asp1628Glu (NM_001375312.2, NM_001375318.1); c.4848C>A, p.Asp1616Glu (NM_001375313.1, NM_001363759.2, NM_001375310.1 and 1 more transcripts); c.4788C>A, p.Asp1596Glu (NM_001375314.2, NM_001363765.2); c.4833C>A, p.Asp1611Glu (NM_003127.4); c.4773C>A, p.Asp1591Glu (NM_001195532.2); short protein forms D1596E, D1616E, D1591E, D1628E, D1611E.
Identifiers: ClinVar variation 3635918 (VCV003635918.2).

ClinVar aggregate classification (germline): Uncertain significance (1 of 4 stars; one submission).

Conditions:
Early-infantile DEE. Also called: Early infantile epileptic encephalopathy; Ohtahara syndrome; Early infantile epileptic encephalopathy with suppression bursts. Identifiers: Orphanet 1934, MedGen C0393706, MONDO:0800491.

gnomAD v4.1: 1 of 1,614,184 alleles (0.000062%); highest among the groups gnomAD compares: Non-Finnish European, 0.000085%; no homozygotes.

Submission:

Labcorp Genetics (formerly Invitae), Labcorp
Classification: Uncertain significance for Early-infantile DEE. Last evaluated: 2025-10-13. Review status: criteria provided, single submitter. Criteria: Invitae Variant Classification Sherloc (09022015). Collection method: clinical testing. Allele origin: germline.
Comment: This sequence change replaces aspartic acid, which is acidic and polar, with glutamic acid, which is acidic and polar, at codon 1616 of the SPTAN1 protein (p.Asp1616Glu). This variant is not present in population databases (gnomAD no frequency). This variant has not been reported in the literature in individuals affected with SPTAN1-related conditions. ClinVar contains an entry for this variant (Variation ID: 3635918). Invitae Evidence Modeling of protein sequence and biophysical properties (such as structural, functional, and spatial information, amino acid conservation, physicochemical variation, residue mobility, and thermodynamic stability) has been performed for this missense variant. However, the output from this modeling did not meet the statistical confidence thresholds required to predict the impact of this variant on SPTAN1 protein function. In summary, the available evidence is currently insufficient to determine the role of this variant in disease. Therefore, it has been classified as a Variant of Uncertain Significance.